The following is an entry in ClinVar:

ClinVar aggregate classification (germline): Uncertain significance (1 of 4 stars; one submission).

Conditions:
Cryopyrin associated periodic syndrome (CAPS). Identifiers: Orphanet 208650, MedGen C2316212, MONDO:0016168.

Submission:

Labcorp Genetics (formerly Invitae), Labcorp
Classification: Uncertain significance for Cryopyrin associated periodic syndrome. Last evaluated: 2021-07-27. Review status: criteria provided, single submitter. Criteria: Invitae Variant Classification Sherloc (09022015). Collection method: clinical testing. Allele origin: germline.
Comment: In summary, the available evidence is currently insufficient to determine the role of this variant in disease. Therefore, it has been classified as a Variant of Uncertain Significance. Algorithms developed to predict the effect of missense changes on protein structure and function (SIFT, PolyPhen-2, Align-GVGD) all suggest that this variant is likely to be tolerated. This missense change has been observed in individual(s) with autoinflammatory disorders (PMID: 30273710). This variant is not present in population databases (ExAC no frequency). This sequence change replaces leucine with isoleucine at codon 725 of the NLRP3 protein (p.Leu725Ile). The leucine residue is moderately conserved and there is a small physicochemical difference between leucine and isoleucine.

Literature cited by the submitters: PubMed 30273710.

NM_001243133.2(NLRP3):c.2167C>A (p.Leu723Ile)

Gene: NLRP3 (NLR family pyrin domain containing 3; plus strand). Cytogenetic location: 1q44.
Variant type: single nucleotide variant.
Coding change: c.2167C>A on transcript NM_001243133.2 (MANE Select); coding-DNA position 2167, C replaced by A.
Protein change: p.Leu723Ile; replaces leucine 723 with isoleucine.
Molecular consequence: missense variant. On other transcripts: intron variant (2).
Genome position (GRCh38, 1-based): chr1:247,429,601, C>A. VCF-style: chr1-247429601-C-A. GRCh37 (hg19) VCF-style: chr1-247592903-C-A.
Other names: c.2167C>A, p.Leu723Ile (NM_001079821.3, NM_001127461.3); c.2173C>A, p.Leu725Ile (NM_004895.5); c.2150+4002C>A (NM_001127462.3, NM_183395.3); short protein forms L725I, L723I.
Identifiers: ClinVar variation 1443727 (VCV001443727.6), dbSNP rs2103132240, ClinGen allele CA345558970.
Genomic context (GRCh38, chr1:247,429,601, plus strand): 5'-TCGAGGCTGATTTCTTTTCTGTCTGTCTTCCTTCTAATTCCTAGATTGGTGAACAGCCAC[C>A]TCACTTCCAGTTTTTGCCGGGGCCTCTTTTCAGTTCTGAGCACCAGCCAGAGTCTAACTG-3'
Protein context (NP_001230062.1, residues 713-733): ACSHGLVNSH[Leu723Ile]TSSFCRGLFS